The following is an entry in ClinVar:

ClinVar aggregate classification (germline): Uncertain significance (1 of 4 stars; one submission).

Conditions:
RASopathy. Also called: rasopathies; Noonan spectrum disorder. Identifiers: Orphanet 536391, MedGen C5555857, MONDO:0021060.

Submission:

Labcorp Genetics (formerly Invitae), Labcorp
Classification: Uncertain significance for RASopathy. Last evaluated: 2024-03-18. Review status: criteria provided, single submitter. Criteria: Invitae Variant Classification Sherloc (09022015). Collection method: clinical testing. Allele origin: germline.
Comment: This sequence change replaces glycine, which is neutral and non-polar, with aspartic acid, which is acidic and polar, at codon 128 of the MAP2K1 protein (p.Gly128Asp). This variant is not present in population databases (gnomAD no frequency). This missense change has been observed in individual(s) with MAP2K1-related conditions (PMID: 31040167). ClinVar contains an entry for this variant (Variation ID: 40746). Advanced modeling of protein sequence and biophysical properties (such as structural, functional, and spatial information, amino acid conservation, physicochemical variation, residue mobility, and thermodynamic stability) performed at Invitae indicates that this missense variant is not expected to disrupt MAP2K1 protein function with a negative predictive value of 80%. Experimental studies have shown that this missense change affects MAP2K1 function (PMID: 12370306). This variant disrupts the p.Gly128 amino acid residue in MAP2K1. Other variant(s) that disrupt this residue have been determined to be pathogenic (PMID: 1804226, 18039235, 18413255, 21062266). This suggests that this residue is clinically significant, and that variants that disrupt this residue are likely to be disease-causing. In summary, the available evidence is currently insufficient to determine the role of this variant in disease. Therefore, it has been classified as a Variant of Uncertain Significance.

Literature cited by the submitters: PubMed 31040167; PubMed 12370306; PubMed 1804226; PubMed 18039235; PubMed 18413255; PubMed 21062266.

NM_002755.4(MAP2K1):c.383G>A (p.Gly128Asp)

Gene: MAP2K1 (mitogen-activated protein kinase kinase 1; plus strand). Cytogenetic location: 15q22.31.
Variant type: single nucleotide variant.
Coding change: c.383G>A on transcript NM_002755.4 (MANE Select); coding-DNA position 383, G replaced by A.
Protein change: p.Gly128Asp; replaces glycine 128 with aspartic acid.
Molecular consequence: missense variant.
Genome position (GRCh38, 1-based): chr15:66,436,837, G>A. VCF-style: chr15-66436837-G-A. GRCh37 (hg19) VCF-style: chr15-66729175-G-A.
Other names: short protein forms G128D.
Identifiers: ClinVar variation 3609725 (VCV003609725.2), dbSNP rs121908596.
Genomic context (GRCh38, chr15:66,436,837, plus strand): 5'-GGAACCAGATCATAAGGGAGCTGCAGGTTCTGCATGAGTGCAACTCTCCGTACATCGTGG[G>A]CTTCTATGGTGCGTTCTACAGCGATGGCGAGATCAGTATCTGCATGGAGCACATGGTATG-3'
Protein context (NP_002746.1, residues 118-138): LHECNSPYIV[Gly128Asp]FYGAFYSDGE